The following is an entry in ClinVar:

ClinVar aggregate classification (germline): Uncertain significance. Review status: criteria provided, multiple submitters, no conflicts (2 of 4 stars). 2 submissions from 2 submitters: Uncertain significance (2). Last evaluated 2022-08-01.

Conditions:
Mitochondrial DNA depletion syndrome 13. Also called: FBXL4-Related Encephalomyopathic Mitochondrial DNA Depletion Syndrome; Mitochondrial DNA depletion syndrome 13 (encephalomyopathic type). Identifiers: Orphanet 369897, MedGen C3809592, MONDO:0014198, OMIM 615471.

Allele frequency attached by ClinVar (database versions not stated): TOPMed 0.00003; gnomAD 0.00004 and 0.00003; ESP Exome Variant Server 0.00008; ExAC 0.00001; gnomAD exomes 0.00002.
gnomAD v4.1: 30 of 1,607,354 alleles (0.0019%); highest among the groups gnomAD compares: Non-Finnish European, 0.0025%; no homozygotes.

Submissions (2):

Labcorp Genetics (formerly Invitae), Labcorp
Classification: Uncertain significance. Last evaluated: 2022-08-01. Review status: criteria provided, single submitter. Criteria: Invitae Variant Classification Sherloc (09022015). Collection method: clinical testing. Allele origin: germline.
Comment: This sequence change replaces serine, which is neutral and polar, with asparagine, which is neutral and polar, at codon 609 of the FBXL4 protein (p.Ser609Asn). This variant is present in population databases (rs371875653, gnomAD 0.005%). This variant has not been reported in the literature in individuals affected with FBXL4-related conditions. ClinVar contains an entry for this variant (Variation ID: 437820). Advanced modeling of protein sequence and biophysical properties (such as structural, functional, and spatial information, amino acid conservation, physicochemical variation, residue mobility, and thermodynamic stability) performed at Invitae indicates that this missense variant is not expected to disrupt FBXL4 protein function. In summary, the available evidence is currently insufficient to determine the role of this variant in disease. Therefore, it has been classified as a Variant of Uncertain Significance.

Wong Mito Lab, Molecular and Human Genetics, Baylor College of Medicine
Classification: Uncertain significance for Mitochondrial DNA depletion syndrome 13. Last evaluated: 2017-08-10. Review status: criteria provided, single submitter. Criteria: ACMG Guidelines, 2015. Collection method: reference population. Allele origin: germline.
Comment: The NM_012160.4:c.1826G>A (NP_036292.2:p.Ser609Asn) [GRCH38: NC_000006.12:g.98874318C>T] variant in FBXL4 gene is interpretated to be a Uncertain Significance - Conflicting Evidence based on ACMG guidelines (PMID: 25741868). This variant meets one or more of the following evidence codes reported in the ACMG-guideline. PM2:This variant is absent in key population databases. BP4:Computational evidence/predictors indicate no impact on the FBXL4 structure, function, or protein-protein interaction. Based on this evidence code ClinGen Pathogenicity Calculator (PMID:28081714) suggested that the variant is Uncertain Significance - Conflicting Evidence.

NM_001278716.2(FBXL4):c.1826G>A (p.Ser609Asn)

Gene: FBXL4 (F-box and leucine rich repeat protein 4; minus strand). Cytogenetic location: 6q16.1.
Variant type: single nucleotide variant.
Coding change: c.1826G>A on transcript NM_001278716.2 (MANE Select); coding-DNA position 1826, G replaced by A.
Protein change: p.Ser609Asn; replaces serine 609 with asparagine.
Molecular consequence: missense variant. On other transcripts: non-coding transcript variant (1).
Genome position (GRCh38, 1-based): chr6:98,874,318, C>T on the plus strand (G>A on the coding strand, the complement: FBXL4 is on the minus strand). VCF-style: chr6-98874318-C-T. GRCh37 (hg19) VCF-style: chr6-99322194-C-T.
Other names: c.1826G>A, p.Ser609Asn (NM_012160.5); short protein forms S609N.
Identifiers: ClinVar variation 437820 (VCV000437820.3), dbSNP rs371875653, ClinGen allele CA3933336.